The following is an entry in ClinVar:

NM_015409.5(EP400):c.4421C>T (p.Thr1474Met)

Gene: EP400 (E1A binding protein p400; plus strand). Cytogenetic location: 12q24.33.
Variant type: single nucleotide variant.
Coding change: c.4421C>T on transcript NM_015409.5 (MANE Select); coding-DNA position 4421, C replaced by T.
Protein change: p.Thr1474Met; replaces threonine 1474 with methionine.
Molecular consequence: missense variant.
Genome position (GRCh38, 1-based): chr12:132,020,192, C>T. VCF-style: chr12-132020192-C-T. GRCh37 (hg19) VCF-style: chr12-132504737-C-T.
Other names: short protein forms T1474M.
Identifiers: ClinVar variation 3037073 (VCV003037073.2), dbSNP rs201077052, ClinGen allele CA6885701.

ClinVar aggregate classification (germline): Likely benign (0 of 4 stars; one submission).

Conditions:
EP400-related disorder. Also called: EP400-related condition.

Allele frequency attached by ClinVar (database versions not stated): TOPMed 0.00005; gnomAD 0.00017; gnomAD exomes 0.00023; ExAC 0.00051; 1000 Genomes Project 30x 0.00094; 1000 Genomes Project 0.00100.
gnomAD v4.1: 375 of 1,608,982 alleles (0.023%); highest among the groups gnomAD compares: South Asian, 0.37%; 4 homozygotes.

Submission:

PreventionGenetics, part of Exact Sciences
Classification: Likely benign for EP400-related condition. Last evaluated: 2021-07-29. Review status: no assertion criteria provided. Collection method: clinical testing. Allele origin: germline.
Comment: This variant is classified as likely benign based on ACMG/AMP sequence variant interpretation guidelines (Richards et al. 2015 PMID: 25741868, with internal and published modifications).